The following is an entry in ClinVar:

NM_000246.4(CIITA):c.2286C>A (p.Ile762=)

Gene: CIITA (class II major histocompatibility complex transactivator; plus strand). Cytogenetic location: 16p13.13.
Variant type: single nucleotide variant.
Coding change: c.2286C>A on transcript NM_000246.4 (MANE Select); coding-DNA position 2286, C replaced by A.
Protein change: p.Ile762=; no amino-acid change (isoleucine 762 retained).
Molecular consequence: synonymous variant. On other transcripts: intron variant (1).
Genome position (GRCh38, 1-based): chr16:10,907,778, C>A. VCF-style: chr16-10907778-C-A. GRCh37 (hg19) VCF-style: chr16-11001635-C-A.
Other names: c.2289C>A, p.Ile763= (NM_001286402.1, NM_001379332.1); c.2142C>A, p.Ile714= (NM_001379330.1); c.2139C>A, p.Ile713= (NM_001379331.1); c.2286C>A, p.Ile762= (NM_001379333.1); c.2217C>A, p.Ile739= (NM_001379334.1); c.860-1205C>A (NM_001286403.2).
Identifiers: ClinVar variation 317706 (VCV000317706.18), dbSNP rs35976871, ClinGen allele CA7900338.

ClinVar aggregate classification (germline): Benign. Review status: criteria provided, multiple submitters, no conflicts (2 of 4 stars). 5 submissions from 5 submitters: Benign (4). 1 of the submissions does not count toward it. Last evaluated 2026-02-01.

Conditions:
MHC class II deficiency. Also called: Bare lymphocyte syndrome 2; BLS, TYPE II. Identifiers: Orphanet 572, MedGen C5447452, MONDO:0008855.

Allele frequency attached by ClinVar (database versions not stated): ExAC 0.00430; gnomAD 0.01268; 1000 Genomes Project 0.01278; TOPMed 0.01480; 1000 Genomes Project 30x 0.01343; ESP Exome Variant Server 0.01578.
gnomAD v4.1: 4,036 of 1,614,204 alleles (0.25%); highest among the groups gnomAD compares: African/African-American, 4.8%; 97 homozygotes.

Submissions (5):

Labcorp Genetics (formerly Invitae), Labcorp
Classification: Benign for MHC class II deficiency. Last evaluated: 2026-02-01. Review status: criteria provided, single submitter. Criteria: Invitae Variant Classification Sherloc (09022015). Collection method: clinical testing. Allele origin: germline.

Women's Health and Genetics/Laboratory Corporation of America, LabCorp
Classification: Benign. Last evaluated: 2026-01-22. Review status: criteria provided, single submitter. Criteria: LabCorp Variant Classification Summary - May 2015. Collection method: clinical testing. Allele origin: germline.

Illumina Laboratory Services, Illumina
Classification: Benign for MHC class II deficiency 1. Last evaluated: 2018-01-13. Review status: criteria provided, single submitter. Criteria: ICSL Variant Classification Criteria 13 December 2019. Collection method: clinical testing. Allele origin: germline.
Comment: This variant was observed in the ICSL laboratory as part of a predisposition screen in an ostensibly healthy population. It had not been previously curated by ICSL or reported in the Human Gene Mutation Database (HGMD: prior to June 1st, 2018), and was therefore a candidate for classification through an automated scoring system. Utilizing variant allele frequency, disease prevalence and penetrance estimates, and inheritance mode, an automated score was calculated to assess if this variant is too frequent to cause the disease. Based on the score and internal cut-off values, a variant classified as benign is not then subjected to further curation. The score for this variant resulted in a classification of benign for this disease.

Breakthrough Genomics
Classification: Benign. Review status: criteria provided, single submitter. Criteria: ACMG Guidelines, 2015. Collection method: not provided. Allele origin: germline. Inheritance: Autosomal recessive inheritance. Affected: yes.

Natera, Inc.
Classification: Benign for Bare lymphocyte syndrome type II. Last evaluated: 2020-09-16. Review status: no assertion criteria provided. Collection method: clinical testing. Allele origin: germline. Not counted in ClinVar's aggregate classification.